The following is an entry in ClinVar:

NM_201596.3(CACNB2):c.416C>T (p.Ala139Val)

Gene: CACNB2 (calcium voltage-gated channel auxiliary subunit beta 2; plus strand). Cytogenetic location: 10p12.31.
Variant type: single nucleotide variant.
Coding change: c.416C>T on transcript NM_201596.3 (MANE Select); coding-DNA position 416, C replaced by T.
Protein change: p.Ala139Val; replaces alanine 139 with valine.
Molecular consequence: missense variant.
Genome position (GRCh38, 1-based): chr10:18,498,437, C>T. VCF-style: chr10-18498437-C-T. GRCh37 (hg19) VCF-style: chr10-18787366-C-T.
Other names: c.251C>T, p.Ala84Val (NM_000724.4, NM_001330060.2); c.332C>T, p.Ala111Val (NM_001167945.2, NM_201571.4, NM_201572.4); c.272C>T, p.Ala91Val (NM_001410882.1, NM_201570.3); c.254C>T, p.Ala85Val (NM_201590.3); c.416C>T, p.Ala139Val (NM_201593.3, NM_201597.3); short protein forms A111V, A139V, A84V, A85V, A91V.
Identifiers: ClinVar variation 4868127 (VCV004868127.1).
Genomic context (GRCh38, chr10:18,498,437, plus strand): 5'-TTCGGACAAATGTCAGCTACAGTGCGGCCCATGAAGATGATGTTCCAGTGCCTGGCATGG[C>T]CATCTCATTCGAAGCAAAAGATTTTCTGCATGTTAAGGAAGTAAGGAGAATAATTTCATT-3'
Protein context (NP_963890.2, residues 129-149): HEDDVPVPGM[Ala139Val]ISFEAKDFLH

ClinVar aggregate classification (germline): Uncertain significance (1 of 4 stars; one submission).

Conditions:
Cardiovascular phenotype. Identifiers: MedGen CN230736.

gnomAD v4.1: 2 of 1,613,944 alleles (0.00012%); highest among the groups gnomAD compares: Non-Finnish European, 0.00017%; no homozygotes.

Submission:

Ambry Genetics
Classification: Uncertain significance for Cardiovascular phenotype. Last evaluated: 2026-05-03. Review status: criteria provided, single submitter. Criteria: Ambry Variant Classification Scheme 2023. Collection method: clinical testing. Allele origin: germline.
Comment: The p.A85V variant (also known as c.254C>T), located in coding exon 3 of the CACNB2 gene, results from a C to T substitution at nucleotide position 254. The alanine at codon 85 is replaced by valine, an amino acid with similar properties. This amino acid position is conserved. In addition, this alteration is predicted to be deleterious by in silico analysis. Based on the available evidence, the clinical significance of this variant remains unclear.